The following is an entry in ClinVar:

NM_014846.4(WASHC5):c.3146C>T (p.Ala1049Val)

Gene: WASHC5 (WASH complex subunit 5; minus strand). Cytogenetic location: 8q24.13.
Variant type: single nucleotide variant.
Coding change: c.3146C>T on transcript NM_014846.4 (MANE Select); coding-DNA position 3146, C replaced by T.
Protein change: p.Ala1049Val; replaces alanine 1049 with valine.
Molecular consequence: missense variant.
Genome position (GRCh38, 1-based): chr8:125,037,272, G>A on the plus strand (C>T on the coding strand, the complement: WASHC5 is on the minus strand). VCF-style: chr8-125037272-G-A. GRCh37 (hg19) VCF-style: chr8-126049514-G-A.
Other names: c.2702C>T, p.Ala901Val (NM_001330609.2); short protein forms A1049V, A901V.
Identifiers: ClinVar variation 2926101 (VCV002926101.3), dbSNP rs1044056, ClinGen allele CA185288186.

ClinVar aggregate classification (germline): Uncertain significance (1 of 4 stars; one submission).

Conditions:
Hereditary spastic paraplegia 8 (SPG8). Also called: SPASTIC PARAPLEGIA 8, AUTOSOMAL DOMINANT. Identifiers: Orphanet 100989, MedGen C1863704, MONDO:0011339, OMIM 603563.
Ritscher-Schinzel syndrome. Also called: CRANIOCEREBELLOCARDIAC DYSPLASIA. Identifiers: Orphanet 7, MedGen C0796137, MONDO:0019078.

gnomAD v4.1: 1 of 1,612,326 alleles (0.000062%); highest among the groups gnomAD compares: Non-Finnish European, 0.000085%; no homozygotes.

Submission:

Labcorp Genetics (formerly Invitae), Labcorp
Classification: Uncertain significance for Ritscher-Schinzel syndrome; Hereditary spastic paraplegia 8. Last evaluated: 2023-06-25. Review status: criteria provided, single submitter. Criteria: Invitae Variant Classification Sherloc (09022015). Collection method: clinical testing. Allele origin: germline.
Comment: This variant has not been reported in the literature in individuals affected with WASHC5-related conditions. This variant is not present in population databases (gnomAD no frequency). This sequence change replaces alanine, which is neutral and non-polar, with valine, which is neutral and non-polar, at codon 1049 of the WASHC5 protein (p.Ala1049Val). In summary, the available evidence is currently insufficient to determine the role of this variant in disease. Therefore, it has been classified as a Variant of Uncertain Significance. Advanced modeling of protein sequence and biophysical properties (such as structural, functional, and spatial information, amino acid conservation, physicochemical variation, residue mobility, and thermodynamic stability) performed at Invitae indicates that this missense variant is not expected to disrupt WASHC5 protein function.